The following is an entry in ClinVar:

ClinVar aggregate classification (germline): Likely pathogenic. Review status: criteria provided, multiple submitters, no conflicts (2 of 4 stars). 2 submissions from 2 submitters: Likely pathogenic (2). Last evaluated 2023-04-17.

Conditions:
Rhizomelic chondrodysplasia punctata (RCDP). Identifiers: Orphanet 177, MedGen C0282529, MONDO:0015776. Disease mechanism: loss of function.
AGPS-related disorder. Also called: AGPS-related condition.

Submissions (2):

Women's Health and Genetics/Laboratory Corporation of America, LabCorp
Classification: Likely pathogenic for Rhizomelic chondrodysplasia punctata. Last evaluated: 2023-04-17. Review status: criteria provided, single submitter. Criteria: LabCorp Variant Classification Summary - May 2015. Collection method: clinical testing. Allele origin: germline.
Comment: Variant summary: AGPS c.1658_1659delAA (p.Lys553ArgfsX31) results in a premature termination codon, predicted to cause a truncation of the encoded protein or absence of the protein due to nonsense mediated decay. The variant was absent in 251336 control chromosomes. The available data on variant occurrences in the general population are insufficient to allow any conclusion about variant significance. To our knowledge, no occurrence of c.1658_1659delAA in individuals affected with Rhizomelic Chondrodysplasia Punctata and no experimental evidence demonstrating its impact on protein function have been reported. No clinical diagnostic laboratories have submitted clinical-significance assessments for this variant to ClinVar after 2014. Based on the evidence outlined above, the variant was classified as likely pathogenic.

Blueprint Genetics
Classification: Likely pathogenic for AGPS-related disorders. Last evaluated: 2017-12-04. Review status: criteria provided, single submitter. Criteria: ACMG Guidelines, 2015. Collection method: clinical testing. Allele origin: germline. Affected: yes. Observed: 1 variant allele.

NM_003659.4(AGPS):c.1658_1659del (p.Lys553fs)

Gene: AGPS (alkylglycerone phosphate synthase; plus strand). Cytogenetic location: 2q31.2.
Variant type: Deletion.
Coding change: c.1658_1659del on transcript NM_003659.4 (MANE Select); coding-DNA positions 1658 to 1659, 2 bases deleted (AA; older notation c.1658_1659delAA).
Protein change: p.Lys553fs; shifts the reading frame from lysine 553.
Molecular consequence: frameshift variant.
Genome position (GRCh38, 1-based): chr2:177,513,869-177,513,870, AA deleted; deleting any 2 consecutive bases within chr2:177,513,868-177,513,870 gives the same sequence; the c. name uses the placement nearest the transcript's 3' end. VCF-style (leftmost placement, unchanged base first): chr2-177513867-CAA-C. GRCh37 (hg19) VCF-style: chr2-178378595-CAA-C.
Other names: c.1658_1659delAA (NM_003659.3); short protein forms K553fs.
Identifiers: ClinVar variation 2504001 (VCV002504001.2), dbSNP rs2468138958, ClinGen allele CA2580614419.